The following is an entry in ClinVar:

ClinVar aggregate classification (germline): Pathogenic/Likely pathogenic. Review status: criteria provided, multiple submitters, no conflicts (2 of 4 stars). 13 submissions from 13 submitters: Pathogenic (10); Likely pathogenic (3). Last evaluated 2025-12-20.

Conditions:
NTHL1-related disorder. Also called: NTHL1-related conditions; NTHL1-related condition.
Hereditary cancer-predisposing syndrome. Also called: Hereditary Cancer Syndrome; Tumor predisposition; Neoplastic Syndromes, Hereditary; Hereditary neoplastic syndrome. Identifiers: Orphanet 140162, MedGen C0027672, MeSH D009386, MONDO:0015356.
NTHL1-deficiency tumor predisposition syndrome. Identifiers: MedGen CN315924, MONDO:0100502.
Familial adenomatous polyposis 3. Also called: NTHL1-Related Adenomatous Polyposis and Colorectal Cancer; NTHL1-related attenuated familial adenomatous polyposis; NTHL1-associated polyposis; NTHL1 Tumor Syndrome. Identifiers: MONDO:0014630, OMIM 616415, Orphanet 220460, Orphanet 454840, MedGen C4225157.

Submissions (13):

Labcorp Genetics (formerly Invitae), Labcorp
Classification: Pathogenic. Last evaluated: 2025-12-20. Review status: criteria provided, single submitter. Criteria: Invitae Variant Classification Sherloc (09022015). Collection method: clinical testing. Allele origin: germline.
Comment: This sequence change creates a premature translational stop signal (p.Ala79Glyfs*2) in the NTHL1 gene. It is expected to result in an absent or disrupted protein product. Loss-of-function variants in NTHL1 are known to be pathogenic (PMID: 25938944, 26559593). This variant is present in population databases (rs745671590, gnomAD 0.002%). This variant has not been reported in the literature in individuals affected with NTHL1-related conditions. ClinVar contains an entry for this variant (Variation ID: 545885). For these reasons, this variant has been classified as Pathogenic.

Center for Genomic Medicine, Rigshospitalet, Copenhagen University Hospital
Classification: Pathogenic. Last evaluated: 2025-03-04. Review status: criteria provided, single submitter. Criteria: ACMG Guidelines, 2015. Collection method: clinical testing. Allele origin: germline.

Blueprint Genetics
Classification: Likely pathogenic for NTHL1-related disorders. Last evaluated: 2024-11-25. Review status: criteria provided, single submitter. Criteria: ACMG Guidelines, 2015. Collection method: clinical testing. Allele origin: germline. Affected: yes. Observed: 5 variant alleles.

PreventionGenetics, part of Exact Sciences
Classification: Pathogenic for NTHL1-related condition. Last evaluated: 2024-10-23. Review status: criteria provided, single submitter. Criteria: ACMG Guidelines, 2015. Collection method: clinical testing. Allele origin: germline.
Comment: The NTHL1 c.235dupG variant is predicted to result in a frameshift and premature protein termination (p.Ala79Glyfs*2). This variant has been reported, along with another truncating NTHL1 variant, in an individual with colorectal and breast cancer (Family 6, Patient ID P06-III:2, Grolleman et al. 2019. PubMed ID: 30753826). This variant is reported in 0.00088% of alleles in individuals of European (Non-Finnish) descent in gnomAD and is interpreted as pathogenic/likely pathogenic in ClinVar. Frameshift variants in NTHL1 are expected to be pathogenic. This variant is interpreted as pathogenic.

Quest Diagnostics Nichols Institute San Juan Capistrano
Classification: Pathogenic. Last evaluated: 2024-09-23. Review status: criteria provided, single submitter. Criteria: Quest Diagnostics criteria. Collection method: clinical testing. Allele origin: unknown.
Comment: The NTHL1 c.235dup (p.Ala79Glyfs*2) variant alters the translational reading frame of the NTHL1 mRNA and causes the premature termination of NTHL1 protein synthesis. This variant has been reported in the published literature as compound heterozygous with another truncating NTHL1 variant in an individual with hyperplastic polyps, colorectal cancer and breast cancer (PMID: 30753826 (2019)). The frequency of this variant in the general population, 0.0000088 (1/113298 chromosomes (Genome Aggregation Database)), is consistent with pathogenicity. Based on the available information, this variant is classified as pathogenic.

Department of Pathology and Laboratory Medicine, Sinai Health System
Classification: Pathogenic for NTHL1-deficiency tumor predisposition syndrome. Last evaluated: 2024-07-05. Review status: criteria provided, single submitter. Criteria: ACMG Guidelines, 2015. Collection method: clinical testing. Allele origin: germline.

GeneDx
Classification: Pathogenic. Last evaluated: 2023-10-06. Review status: criteria provided, single submitter. Criteria: GeneDx Variant Classification Process June 2021. Collection method: clinical testing. Allele origin: germline. Affected: yes.
Comment: Frameshift variant predicted to result in protein truncation or nonsense mediated decay in a gene for which loss of function is a known mechanism of disease; Not observed at significant frequency in large population cohorts (gnomAD); This variant is associated with the following publications: (PMID: 30753826)

CeGaT Center for Human Genetics Tuebingen
Classification: Pathogenic. Last evaluated: 2023-09-01. Review status: criteria provided, single submitter. Criteria: CeGaT Center For Human Genetics Tuebingen Variant Classification Criteria Version 2. Collection method: clinical testing. Allele origin: germline. Affected: yes. Observed: 1 variant allele.
Comment: NTHL1: PVS1, PM2, PM3

Myriad Genetics, Inc.
Classification: Pathogenic for Familial adenomatous polyposis 3. Last evaluated: 2023-09-01. Review status: criteria provided, single submitter. Criteria: Myriad Autosomal Dominant, Autosomal Recessive and X-Linked Classification Criteria (2023). Collection method: clinical testing. Allele origin: unknown.
Comment: This variant is considered pathogenic. This variant creates a frameshift predicted to result in premature protein truncation.

Ambry Genetics
Classification: Pathogenic for Hereditary cancer-predisposing syndrome. Last evaluated: 2023-08-11. Review status: criteria provided, single submitter. Criteria: Ambry Variant Classification Scheme 2023. Collection method: clinical testing. Allele origin: germline.
Comment: The c.235dupG pathogenic mutation, located in coding exon 2 of the NTHL1 gene, results from a duplication of G at nucleotide position 235, causing a translational frameshift with a predicted alternate stop codon (p.A79Gfs*2). This mutation has been identified in trans with a second truncating mutation in an individual with mixed polyposis and multiple malignancies (Grolleman JE et al. Cancer Cell, 2019 02;35:256-266.e5). In addition to the clinical data presented in the literature, this alteration is expected to result in loss of function by premature protein truncation or nonsense-mediated mRNA decay. As such, this alteration is interpreted as a disease-causing mutation.

Baylor Genetics
Classification: Pathogenic for Familial adenomatous polyposis 3. Last evaluated: 2023-07-25. Review status: criteria provided, single submitter. Criteria: ACMG Guidelines, 2015. Collection method: clinical testing. Allele origin: unknown.

Sema4
Classification: Likely pathogenic for Hereditary cancer-predisposing syndrome. Last evaluated: 2021-12-15. Review status: criteria provided, single submitter. Criteria: Sema4 Curation Guidelines. Collection method: curation. Allele origin: germline.
Comment: The NTHL1 c.235dupG (p.A79GfsX2) variant has been reported in 1 individual with colorectal cancer (PMID 30753826). This variant causes a frameshift at amino acid 79 that results in premature termination 2 amino acids downstream. At this location, this is predicted to cause nonsense-mediated decay and result in an absent protein (loss of function). Loss-of-function variants in NTHL1 are known to be pathogenic (PMID: 25938944, 26559593). This variant was observed in 1/113298 chromosomes in the Non-Finnish European population according to the Genome Aggregation Database (PMID: 32461654). This variant has been reported in ClinVar (Variation ID 545885). Based on the current evidence available, this variant is interpreted as likely pathogenic.

Department of Molecular Diagnostics, Institute of Oncology Ljubljana
Classification: Likely pathogenic for Familial adenomatous polyposis 3. Last evaluated: 2020-04-02. Review status: criteria provided, single submitter. Criteria: ACMG Guidelines, 2015. Collection method: clinical testing. Allele origin: germline. Affected: yes.

Literature cited by the submitters: PubMed 25938944 (cited by Labcorp Genetics (formerly Invitae), Labcorp and Sema4); PubMed 26559593 (cited by Labcorp Genetics (formerly Invitae), Labcorp and Sema4); PubMed 30753826 (cited by 5 submitters).

NM_002528.7(NTHL1):c.211dup (p.Ala71fs)

Gene: NTHL1 (nth like DNA glycosylase 1; minus strand). Cytogenetic location: 16p13.3.
Variant type: Duplication.
Coding change: c.211dup on transcript NM_002528.7 (MANE Select); coding-DNA position 211, one base duplicated (G; older notation c.211dupG).
Protein change: p.Ala71fs; shifts the reading frame from alanine 71.
Molecular consequence: frameshift variant. On other transcripts: intron variant (1).
Genome position (GRCh38, 1-based): chr16:2,046,271, C duplicated on the plus strand (G on the coding strand, the reverse complement: NTHL1 is on the minus strand); the first of 5 consecutive C bases (chr16:2,046,271-2,046,275); duplicating any one gives the same sequence. VCF-style (leftmost placement, unchanged base first): chr16-2046270-G-GC. GRCh37 (hg19) VCF-style: chr16-2096271-G-GC.
Other names: c.235dupG (NM_002528.6, NM_002528.5); c.211dup, p.Ala71fs (LRG_1366t1, NM_001318193.2); c.211dupG (NM_002528.7); c.24+5dup (NM_001318194.2); short protein forms A71fs.
Identifiers: ClinVar variation 545885 (VCV000545885.46), dbSNP rs745671590, ClinGen allele CA7828341.